The following is an entry in ClinVar:

NM_000256.3(MYBPC3):c.2788C>G (p.Leu930Val)

Gene: MYBPC3 (myosin binding protein C3; minus strand). Cytogenetic location: 11p11.2.
Variant type: single nucleotide variant.
Coding change: c.2788C>G on transcript NM_000256.3 (MANE Select); coding-DNA position 2788, C replaced by G.
Protein change: p.Leu930Val; replaces leucine 930 with valine.
Molecular consequence: missense variant.
Genome position (GRCh38, 1-based): chr11:47,335,159, G>C on the plus strand (C>G on the coding strand, the complement: MYBPC3 is on the minus strand). VCF-style: chr11-47335159-G-C. GRCh37 (hg19) VCF-style: chr11-47356710-G-C.
Other names: short protein forms L930V.
Identifiers: ClinVar variation 1383870 (VCV001383870.11), dbSNP rs1399854518, ClinGen allele CA380316563.
Genomic context (GRCh38, chr11:47,335,159, plus strand): 5'-CCATATTGTGTGCCCGCACTCGGAAAAGCAGCCGGGCCCCCGTGGGCAGGTCCTTCACCA[G>C]TATCGATGTGTGCTCTGTCAGCCCCTGCAGGGCAGCCACCCACTCTGAGCCTGGGGGTGG-3'
Protein context (NP_000247.2, residues 920-940): LQGLTEHTSI[Leu930Val]VKDLPTGARL

ClinVar aggregate classification (germline): Conflicting classifications of pathogenicity. Review status: criteria provided, conflicting classifications (1 of 4 stars). 5 submissions from 5 submitters: Uncertain significance (4); Likely benign (1). Last evaluated 2026-08-06.

Conditions:
Hypertrophic cardiomyopathy 4. Also called: Familial hypertrophic cardiomyopathy 4. Identifiers: MedGen C1861862, MONDO:0007268, OMIM 115197.
Left ventricular noncompaction 10 (LVNC10). Identifiers: Orphanet 154, Orphanet 54260, MedGen C3715165, MONDO:0014163, OMIM 615396.
Cardiovascular phenotype. Identifiers: MedGen CN230736.
Cardiomyopathy (CMYO). Also called: Cardiomyopathies. Identifiers: Orphanet 167848, MedGen C0878544, MONDO:0004994, HP:0001638. Inheritance: Various modes of inheritance.
Hypertrophic cardiomyopathy. Also called: HYPERTROPHIC MYOCARDIOPATHY. Identifiers: Orphanet 217569, MedGen C0007194, MeSH D002312, MONDO:0005045, HP:0001639.

Allele frequency attached by ClinVar (database versions not stated): gnomAD exomes 0.00002 and below 0.00001.
gnomAD v4.1: 28 of 1,612,884 alleles (0.0017%); highest among the groups gnomAD compares: Non-Finnish European, 0.0023%; no homozygotes.

Submissions (5):

Ambry Genetics
Classification: Likely benign for Cardiovascular phenotype. Last evaluated: 2026-08-06. Review status: criteria provided, single submitter. Criteria: Ambry Variant Classification Scheme 2023. Collection method: clinical testing. Allele origin: germline.

Color Diagnostics, LLC DBA Color Health
Classification: Uncertain significance for Cardiomyopathy. Last evaluated: 2024-02-08. Review status: criteria provided, single submitter. Criteria: ACMG Guidelines, 2015. Collection method: clinical testing. Allele origin: germline.
Comment: This missense variant replaces leucine with valine at codon 930 of the MYBPC3 protein. Computational prediction tools indicate that this variant has a neutral impact on protein structure and function. To our knowledge, functional studies have not been reported for this variant. This variant has been reported in one individual affected with hypertrophic cardiomyopathy (PMID: 25351510). This variant has been identified in 1/247786 chromosomes in the general population by the Genome Aggregation Database (gnomAD). The available evidence is insufficient to determine the role of this variant in disease conclusively. Therefore, this variant is classified as a Variant of Uncertain Significance.

All of Us Research Program, National Institutes of Health
Classification: Uncertain significance for Hypertrophic cardiomyopathy. Last evaluated: 2023-12-14. Review status: criteria provided, single submitter. Criteria: ACMG Guidelines, 2015. Collection method: clinical testing. Allele origin: germline. Inheritance: Autosomal dominant inheritance. Observed: 2 variant alleles, 2 heterozygotes.
Comment: This missense variant replaces leucine with valine at codon 930 of the MYBPC3 protein. Computational prediction suggests that this variant may not impact protein structure and function (internally defined REVEL score threshold <= 0.5, PMID: 27666373). To our knowledge, functional studies have not been reported for this variant. This variant has not been reported in individuals affected with MYBPC3-related disorders in the literature. This variant has been identified in 1/247786 chromosomes in the general population by the Genome Aggregation Database (gnomAD). The available evidence is insufficient to determine the role of this variant in disease conclusively. Therefore, this variant is classified as a Variant of Uncertain Significance.

This study involves interpretation of variants in research participants for the purpose of population health screening. Participant phenotype was not available at the time of variant classification. Additional details can be found in publication PMID: 35346344, PMCID: PMC8962531

Labcorp Genetics (formerly Invitae), Labcorp
Classification: Uncertain significance for Hypertrophic cardiomyopathy. Last evaluated: 2021-10-17. Review status: criteria provided, single submitter. Criteria: Invitae Variant Classification Sherloc (09022015). Collection method: clinical testing. Allele origin: germline.
Comment: Algorithms developed to predict the effect of missense changes on protein structure and function are either unavailable or do not agree on the potential impact of this missense change (SIFT: "Deleterious"; PolyPhen-2: "Benign"; Align-GVGD: "Class C0"). In summary, the available evidence is currently insufficient to determine the role of this variant in disease. Therefore, it has been classified as a Variant of Uncertain Significance. This variant has not been reported in the literature in individuals affected with MYBPC3-related conditions. This sequence change replaces leucine with valine at codon 930 of the MYBPC3 protein (p.Leu930Val). The leucine residue is highly conserved and there is a small physicochemical difference between leucine and valine. This variant is not present in population databases (ExAC no frequency).

Fulgent Genetics
Classification: Uncertain significance for Hypertrophic cardiomyopathy 4; Left ventricular noncompaction 10. Last evaluated: 2021-08-27. Review status: criteria provided, single submitter. Criteria: ACMG Guidelines, 2015. Collection method: clinical testing. Allele origin: unknown.

Literature cited by the submitters: PubMed 25351510 (cited by Color Diagnostics, LLC DBA Color Health).